The following is an entry in ClinVar:

ClinVar aggregate classification (germline): Pathogenic (1 of 4 stars; one submission).

Conditions:
Dextro-looped transposition of the great arteries. Also called: Dextrotransposition of the great arteries. Identifiers: Orphanet 860, MedGen C3531771, MONDO:0019443, OMIM 608808, HP:0031348.

Submission:

Labcorp Genetics (formerly Invitae), Labcorp
Classification: Pathogenic for Dextro-looped transposition of the great arteries. Last evaluated: 2020-07-13. Review status: criteria provided, single submitter. Criteria: Invitae Variant Classification Sherloc (09022015). Collection method: clinical testing. Allele origin: germline.
Comment: This variant is not present in population databases (ExAC no frequency). This variant has not been reported in the literature in individuals with MED13L-related conditions. Loss-of-function variants in MED13L are known to be pathogenic (PMID: 25712080, 25758992). For these reasons, this variant has been classified as Pathogenic. This sequence change creates a premature translational stop signal (p.Thr469Asnfs*22) in the MED13L gene. It is expected to result in an absent or disrupted protein product.

Literature cited by the submitters: PubMed 25712080; PubMed 25758992.

NM_015335.5(MED13L):c.1405dup (p.Thr469fs)

Gene: MED13L (mediator complex subunit 13L; minus strand). Cytogenetic location: 12q24.21.
Variant type: Duplication.
Coding change: c.1405dup on transcript NM_015335.5 (MANE Select); coding-DNA position 1405, one base duplicated (A; older notation c.1405dupA).
Protein change: p.Thr469fs; shifts the reading frame from threonine 469.
Molecular consequence: frameshift variant.
Genome position (GRCh38, 1-based): chr12:116,009,008, T duplicated on the plus strand (A on the coding strand, the reverse complement: MED13L is on the minus strand); the first of 4 consecutive T bases (chr12:116,009,008-116,009,011); duplicating any one gives the same sequence. VCF-style (leftmost placement, unchanged base first): chr12-116009007-G-GT. GRCh37 (hg19) VCF-style: chr12-116446812-G-GT.
Other names: short protein forms T469fs.
Identifiers: ClinVar variation 1071342 (VCV001071342.7), dbSNP rs2137386388, ClinGen allele CA2499221460.
Genomic context (GRCh38, chr12:116,009,007, plus strand): 5'-TGGTGAAATGGTATTAAGGGTCTCTTTTGCAGCTTGTCTCCTTTTTCCTGTCTTTCTGCT[G>GT]TTTTGTGCTTAGAAGAAGCAGGAGGTGGTAAAGATGAAGATGATGATGGTCCTGCACTGA-3'